The following is an entry in ClinVar:

NM_002691.4(POLD1):c.1355T>C (p.Val452Ala)

Gene: POLD1 (DNA polymerase delta 1, catalytic subunit; plus strand). Cytogenetic location: 19q13.33.
Variant type: single nucleotide variant.
Coding change: c.1355T>C on transcript NM_002691.4 (MANE Select); coding-DNA position 1355, T replaced by C.
Protein change: p.Val452Ala; replaces valine 452 with alanine.
Molecular consequence: missense variant. On other transcripts: non-coding transcript variant (1).
Genome position (GRCh38, 1-based): chr19:50,406,294, T>C. VCF-style: chr19-50406294-T-C. GRCh37 (hg19) VCF-style: chr19-50909551-T-C.
Other names: c.1355T>C, p.Val452Ala (NM_001256849.1, NM_001308632.1); short protein forms V452A.
Identifiers: ClinVar variation 1019508 (VCV001019508.8), dbSNP rs2038877063, ClinGen allele CA406979940.

ClinVar aggregate classification (germline): Uncertain significance (1 of 4 stars; one submission).

Conditions:
POLD1-related polyposis and colorectal cancer syndrome (CRCS10). Also called: Colorectal cancer 10; COLORECTAL CANCER, SUSCEPTIBILITY TO, ON CHROMOSOME 19q; Colorectal cancer, susceptibility to, 10. Identifiers: Orphanet 220460, MedGen C2675481, MONDO:0012953, OMIM 612591.

Submission:

Labcorp Genetics (formerly Invitae), Labcorp
Classification: Uncertain significance for POLD1-related polyposis and colorectal cancer syndrome. Last evaluated: 2021-07-26. Review status: criteria provided, single submitter. Criteria: Invitae Variant Classification Sherloc (09022015). Collection method: clinical testing. Allele origin: germline.
Comment: In summary, the available evidence is currently insufficient to determine the role of this variant in disease. Therefore, it has been classified as a Variant of Uncertain Significance. Algorithms developed to predict the effect of missense changes on protein structure and function (SIFT, PolyPhen-2, Align-GVGD) all suggest that this variant is likely to be tolerated, but these predictions have not been confirmed by published functional studies and their clinical significance is uncertain. This variant has not been reported in the literature in individuals with POLD1-related conditions. This variant is not present in population databases (ExAC no frequency). This sequence change replaces valine with alanine at codon 452 of the POLD1 protein (p.Val452Ala). The valine residue is weakly conserved and there is a small physicochemical difference between valine and alanine.